The following is an entry in ClinVar:

NM_033004.4(NLRP1):c.1748del (p.Lys583fs)

Gene: NLRP1 (NLR family pyrin domain containing 1; minus strand). Cytogenetic location: 17p13.2.
Variant type: Deletion.
Coding change: c.1748del on transcript NM_033004.4 (MANE Select); coding-DNA position 1748, one base deleted (A; older notation c.1748delA).
Protein change: p.Lys583fs; shifts the reading frame from lysine 583.
Molecular consequence: frameshift variant.
Genome position (GRCh38, 1-based): chr17:5,558,948, T deleted on the plus strand (A on the coding strand, the reverse complement: NLRP1 is on the minus strand); the first of 7 consecutive T bases (chr17:5,558,948-5,558,954); deleting any one gives the same sequence. VCF-style (leftmost placement, unchanged base first): chr17-5558947-CT-C. GRCh37 (hg19) VCF-style: chr17-5462267-CT-C.
Other names: c.1748del, p.Lys583fs (NM_001033053.3, NM_014922.5, NM_033006.4 and 1 more transcripts); short protein forms K583fs.
Identifiers: ClinVar variation 1413943 (VCV001413943.6), dbSNP rs904995532, ClinGen allele CA497686157.

ClinVar aggregate classification (germline): Uncertain significance (1 of 4 stars; one submission).

Submission:

Labcorp Genetics (formerly Invitae), Labcorp
Classification: Uncertain significance. Last evaluated: 2021-08-29. Review status: criteria provided, single submitter. Criteria: Invitae Variant Classification Sherloc (09022015). Collection method: clinical testing. Allele origin: germline.
Comment: This variant is not present in population databases (ExAC no frequency). This sequence change creates a premature translational stop signal (p.Lys583Argfs*14) in the NLRP1 gene. It is expected to result in an absent or disrupted protein product. However, the current clinical and genetic evidence is not sufficient to establish whether loss-of-function variants in NLRP1 cause disease. This variant has not been reported in the literature in individuals affected with NLRP1-related conditions. Experimental studies and prediction algorithms are not available or were not evaluated, and the functional significance of this variant is currently unknown. In summary, the available evidence is currently insufficient to determine the role of this variant in disease. Therefore, it has been classified as a Variant of Uncertain Significance.